The following is an entry in ClinVar:

NM_004260.4(RECQL4):c.3184C>T (p.Arg1062Trp)

Gene: RECQL4 (RecQ like helicase 4; minus strand). Cytogenetic location: 8q24.3.
Variant type: single nucleotide variant.
Coding change: c.3184C>T on transcript NM_004260.4 (MANE Select); coding-DNA position 3184, C replaced by T.
Protein change: p.Arg1062Trp; replaces arginine 1062 with tryptophan.
Molecular consequence: missense variant.
Genome position (GRCh38, 1-based): chr8:144,512,196, G>A on the plus strand (C>T on the coding strand, the complement: RECQL4 is on the minus strand). VCF-style: chr8-144512196-G-A. GRCh37 (hg19) VCF-style: chr8-145737579-G-A.
Other names: short protein forms R1062W.
Identifiers: ClinVar variation 135145 (VCV000135145.17), dbSNP rs199658221, ClinGen allele CA161847.

ClinVar aggregate classification (germline): Conflicting classifications of pathogenicity. Review status: criteria provided, conflicting classifications (1 of 4 stars). 6 submissions from 6 submitters: Uncertain significance (1); Likely benign (2). 3 of the submissions do not count toward it. Last evaluated 2026-04-01.

Conditions:
RECQL4-related disorder. Also called: RECQL4-related condition; RECQL4-related disorders.
Hereditary cancer-predisposing syndrome. Also called: Tumor predisposition; Hereditary neoplastic syndrome; Hereditary Cancer Syndrome; Neoplastic Syndromes, Hereditary. Identifiers: Orphanet 140162, MedGen C0027672, MeSH D009386, MONDO:0015356.
Ovarian cancer. Also called: OVARIAN CANCER, SOMATIC. Identifiers: Orphanet 213500, MedGen C1140680, MONDO:0008170, OMIM 167000.
Baller-Gerold syndrome (BGS). Also called: CRANIOSYNOSTOSIS WITH RADIAL DEFECTS. Identifiers: Orphanet 1225, MedGen C0265308, MONDO:0009039, OMIM 218600.

Allele frequency attached by ClinVar (database versions not stated): ESP Exome Variant Server 0.00016; TOPMed 0.00016; ExAC 0.00031; 1000 Genomes Project 30x 0.00047; 1000 Genomes Project 0.00060; gnomAD 0.00003.
gnomAD v4.1: 233 of 1,611,870 alleles (0.014%); highest among the groups gnomAD compares: South Asian, 0.15%; 2 homozygotes.

Submissions (6):

CeGaT Center for Human Genetics Tuebingen
Classification: Likely benign. Last evaluated: 2026-04-01. Review status: criteria provided, single submitter. Criteria: CeGaT Center For Human Genetics Tuebingen Variant Classification Criteria Version 2. Collection method: clinical testing. Allele origin: germline. Affected: yes. Observed: 1 variant allele.
Comment: RECQL4: BP4, BS2

Labcorp Genetics (formerly Invitae), Labcorp
Classification: Likely benign for Baller-Gerold syndrome. Last evaluated: 2026-01-26. Review status: criteria provided, single submitter. Criteria: Invitae Variant Classification Sherloc (09022015). Collection method: clinical testing. Allele origin: germline.

Sema4
Classification: Uncertain significance for Hereditary cancer-predisposing syndrome. Last evaluated: 2021-11-20. Review status: criteria provided, single submitter. Criteria: Sema4 Curation Guidelines. Collection method: curation. Allele origin: germline.
Comment: The RECQL4 c.3184C>T (p.R1062W) variant has been reported in heterozygosity in one individuals with a family history of breast cancer (PMID: 28202063) as well as in a healthy individual unselected for personal or family history of cancer (PMID: 24728327). It was observed in 49/30550 chromosomes of the South Asian subpopulation, with no homozygotes, in the large and broad cohorts of the Genome Aggregation Database (PMID: 32461654). The variant has been reported in ClinVar (Variation ID 135145). Functional studies have not been performed, and in silico predictions of the variant's effect on protein function are inconclusive. The evidence is insufficient to meet ACMG/AMP criteria for classifying the variant as benign or pathogenic. Thus, the clinical significance of this variant is currently uncertain.

PreventionGenetics, part of Exact Sciences
Classification: Likely benign for RECQL4-related condition. Last evaluated: 2022-02-03. Review status: no assertion criteria provided. Collection method: clinical testing. Allele origin: germline. Not counted in ClinVar's aggregate classification.
Comment: This variant is classified as likely benign based on ACMG/AMP sequence variant interpretation guidelines (Richards et al. 2015 PMID: 25741868, with internal and published modifications).

ITMI
No classification provided. Condition: AllHighlyPenetrant. Last evaluated: 2013-09-19. Review status: no classification provided. Collection method: reference population. Allele origin: germline. Not counted in ClinVar's aggregate classification.
Comment: Please see associated publication for description of ethnicities

Laboratory of Molecular Epidemiology of Birth Defects, West China Second University Hospital, Sichuan University
Classification: Likely pathogenic for Ovarian cancer. Last evaluated: 2022-01-01. Review status: flagged submission. Criteria: ACMG Guidelines, 2015. Collection method: clinical testing. Allele origin: germline. Affected: yes. Not counted in ClinVar's aggregate classification.
ClinVar note: Reason: Outlier claim with insufficient supporting evidence

Literature cited by the submitters: PubMed 28202063 (cited by Sema4); PubMed 24728327 (cited by Sema4 and ITMI).